The following is an entry in ClinVar:

NM_002103.5(GYS1):c.-19C>A

Gene: GYS1 (glycogen synthase 1; minus strand). Cytogenetic location: 19q13.33.
Variant type: single nucleotide variant.
Coding change: c.-19C>A on transcript NM_002103.5 (MANE Select); 19 bases upstream of the start codon, C replaced by A.
Molecular consequence: 5 prime UTR variant. On other transcripts: non-coding transcript variant (1).
Genome position (GRCh38, 1-based): chr19:48,993,131, G>T on the plus strand (C>A on the coding strand, the complement: GYS1 is on the minus strand). VCF-style: chr19-48993131-G-T. GRCh37 (hg19) VCF-style: chr19-49496388-G-T.
Other names: c.-19C>A (NM_001161587.2).
Identifiers: ClinVar variation 329831 (VCV000329831.6), dbSNP rs2287753, ClinGen allele CA9563487.

ClinVar aggregate classification (germline): Benign. Review status: criteria provided, multiple submitters, no conflicts (2 of 4 stars). 2 submissions from 2 submitters: Benign (2). Last evaluated 2018-01-13.

Conditions:
Glycogen storage disease due to muscle and heart glycogen synthase deficiency. Also called: GSD 0b; MUSCLE GLYCOGEN SYNTHASE DEFICIENCY. Identifiers: Orphanet 137625, MedGen C1969054, MONDO:0012693, OMIM 611556.

Allele frequency attached by ClinVar (database versions not stated): gnomAD 0.00045 and 0.00068; gnomAD exomes 0.00050 and 0.00163; TOPMed 0.00169; ExAC 0.00179; 1000 Genomes Project 30x 0.00344; 1000 Genomes Project 0.00419.
gnomAD v4.1: 729 of 1,401,804 alleles (0.052%); highest among the groups gnomAD compares: East Asian, 1.4%; 7 homozygotes.

Submissions (2):

Illumina Laboratory Services, Illumina
Classification: Benign for Glycogen storage disease due to muscle and heart glycogen synthase deficiency. Last evaluated: 2018-01-13. Review status: criteria provided, single submitter. Criteria: ICSL Variant Classification Criteria 13 December 2019. Collection method: clinical testing. Allele origin: germline.
Comment: This variant was observed in the ICSL laboratory as part of a predisposition screen in an ostensibly healthy population. It had not been previously curated by ICSL or reported in the Human Gene Mutation Database (HGMD: prior to June 1st, 2018), and was therefore a candidate for classification through an automated scoring system. Utilizing variant allele frequency, disease prevalence and penetrance estimates, and inheritance mode, an automated score was calculated to assess if this variant is too frequent to cause the disease. Based on the score and internal cut-off values, a variant classified as benign is not then subjected to further curation. The score for this variant resulted in a classification of benign for this disease.

Breakthrough Genomics
Classification: Benign. Review status: criteria provided, single submitter. Criteria: ACMG Guidelines, 2015. Collection method: not provided. Allele origin: germline. Inheritance: Autosomal recessive inheritance. Affected: yes.